The following is an entry in ClinVar:

ClinVar aggregate classification (germline): Pathogenic/Likely pathogenic. Review status: criteria provided, multiple submitters, no conflicts (2 of 4 stars). 2 submissions from 2 submitters: Pathogenic (1); Likely pathogenic (1). Last evaluated 2021-10-06.

Conditions:
Marfan syndrome (MFS). Also called: Marfan syndrome type 1; Marfan's syndrome; FBN1-Related Marfan Syndrome; MARFAN SYNDROME, TYPE I; Marfan syndrome, classic. Identifiers: Orphanet 284963, Orphanet 558, MedGen C0024796, MONDO:0007947, OMIM 154700.
Familial thoracic aortic aneurysm and aortic dissection (TAAD). Also called: Thoracic aortic aneurysms and dissections. Identifiers: Orphanet 91387, MedGen C4707243, MONDO:0019625.

Submissions (2):

Labcorp Genetics (formerly Invitae), Labcorp
Classification: Pathogenic for Marfan syndrome; Familial thoracic aortic aneurysm and aortic dissection. Last evaluated: 2021-10-06. Review status: criteria provided, single submitter. Criteria: Invitae Variant Classification Sherloc (09022015). Collection method: clinical testing. Allele origin: germline.
Comment: This variant affects a cysteine residue in the EGF-like, TGFBP or hybrid motif domains of FBN1. Cysteine residues are believed to be involved in intramolecular disulfide bridges and have been shown to be important for FBN1 protein structure (PMID: 16905551, 19349279). In addition, missense substitutions affecting cysteine residues within these domains are significantly overrepresented among patients with Marfan syndrome (PMID: 16571647, 17701892). For these reasons, this variant has been classified as Pathogenic. This variant disrupts the p.Cys2011 amino acid residue in FBN1. Other variant(s) that disrupt this residue have been observed in individuals with FBN1-related conditions (PMID: 31163209), which suggests that this may be a clinically significant amino acid residue. Advanced modeling of protein sequence and biophysical properties (such as structural, functional, and spatial information, amino acid conservation, physicochemical variation, residue mobility, and thermodynamic stability) performed at Invitae indicates that this missense variant is expected to disrupt FBN1 protein function. This missense change has been observed in individual(s) with clinical features of Marfan syndrome (PMID: 29907982). In at least one individual the variant was observed to be de novo. This variant is not present in population databases (ExAC no frequency). This sequence change replaces cysteine with arginine at codon 2011 of the FBN1 protein (p.Cys2011Arg). The cysteine residue is highly conserved and there is a large physicochemical difference between cysteine and arginine.

Juno Genomics, Hangzhou Juno Genomics, Inc
Classification: Likely pathogenic for Marfan syndrome. Review status: criteria provided, single submitter. Criteria: ACMG Guidelines, 2015. Collection method: clinical testing. Allele origin: germline. Affected: yes.
Comment: Absent from controls (or at extremely low frequency if recessive) in Genome Aggregation Database, Exome Sequencing Project, 1000 Genomes Project, or Exome Aggregation Consortium.;Multiple lines of computational evidence support a deleterious effect on the gene or gene product (conservation, evolutionary, splicing impact, etc).;Missense variant in a gene that has a low rate of benign missense variation and where missense variants are a common mechanism of disease.;Assumed de novo, but without confirmation of paternity and maternity.;Located in a mutational hot spot and/or critical and well-established functional domain (e.g. active site of an enzyme) without benign variation.

Literature cited by the submitters: PubMed 16905551 (cited by Labcorp Genetics (formerly Invitae), Labcorp); PubMed 19349279 (cited by Labcorp Genetics (formerly Invitae), Labcorp); PubMed 16571647 (cited by Labcorp Genetics (formerly Invitae), Labcorp); PubMed 17701892 (cited by Labcorp Genetics (formerly Invitae), Labcorp); PubMed 31163209 (cited by Labcorp Genetics (formerly Invitae), Labcorp); PubMed 29907982 (cited by Labcorp Genetics (formerly Invitae), Labcorp).

NM_000138.5(FBN1):c.6031T>C (p.Cys2011Arg)

Gene: FBN1 (fibrillin 1; minus strand). Cytogenetic location: 15q21.1.
Variant type: single nucleotide variant.
Coding change: c.6031T>C on transcript NM_000138.5 (MANE Select); coding-DNA position 6031, T replaced by C.
Protein change: p.Cys2011Arg; replaces cysteine 2011 with arginine.
Molecular consequence: missense variant.
Genome position (GRCh38, 1-based): chr15:48,444,547, A>G on the plus strand (T>C on the coding strand, the complement: FBN1 is on the minus strand). VCF-style: chr15-48444547-A-G. GRCh37 (hg19) VCF-style: chr15-48736744-A-G.
Other names: short protein forms C2011R.
Identifiers: ClinVar variation 1366927 (VCV001366927.7), dbSNP rs2141248001, ClinGen allele CA392339502.